The following is an entry in ClinVar:

ClinVar aggregate classification (germline): Uncertain significance. Review status: criteria provided, single submitter (1 of 4 stars). 2 submissions from 2 submitters: Uncertain significance (1). 1 of the submissions does not count toward it. Last evaluated 2022-05-25.

Conditions:
Inborn genetic diseases. Identifiers: MedGen C0950123, MeSH D030342.
IPO8-related disorder. Also called: IPO8-related condition.

Allele frequency attached by ClinVar (database versions not stated): ExAC 0.00003; gnomAD 0.00006; gnomAD exomes 0.00006; TOPMed 0.00007; ESP Exome Variant Server 0.00008.
gnomAD v4.1: 105 of 1,611,240 alleles (0.0065%); highest among the groups gnomAD compares: Middle Eastern, 0.018%; no homozygotes.

Submissions (2):

Ambry Genetics
Classification: Uncertain significance for Inborn genetic diseases. Last evaluated: 2022-05-25. Review status: criteria provided, single submitter. Criteria: Ambry Variant Classification Scheme 2023. Collection method: clinical testing. Allele origin: germline.

PreventionGenetics, part of Exact Sciences
Classification: Uncertain significance for IPO8-related condition. Last evaluated: 2024-09-10. Review status: no assertion criteria provided. Collection method: clinical testing. Allele origin: germline. Not counted in ClinVar's aggregate classification.
Comment: The IPO8 c.3020C>G variant is predicted to result in the amino acid substitution p.Ala1007Gly. To our knowledge, this variant has not been reported in the literature. This variant is reported in 0.0071% of alleles in individuals of European (Non-Finnish) descent in gnomAD. At this time, the clinical significance of this variant is uncertain due to the absence of conclusive functional and genetic evidence.

NM_006390.4(IPO8):c.3020C>G (p.Ala1007Gly)

Gene: IPO8 (importin 8; minus strand). Cytogenetic location: 12p11.21.
Variant type: single nucleotide variant.
Coding change: c.3020C>G on transcript NM_006390.4 (MANE Select); coding-DNA position 3020, C replaced by G.
Protein change: p.Ala1007Gly; replaces alanine 1007 with glycine.
Molecular consequence: missense variant.
Genome position (GRCh38, 1-based): chr12:30,630,954, G>C on the plus strand (C>G on the coding strand, the complement: IPO8 is on the minus strand). VCF-style: chr12-30630954-G-C. GRCh37 (hg19) VCF-style: chr12-30783888-G-C.
Other names: c.2405C>G, p.Ala802Gly (NM_001190995.2); short protein forms A802G, A1007G.
Identifiers: ClinVar variation 2381431 (VCV002381431.3), dbSNP rs376320931, ClinGen allele CA6498485.